The following is an entry in ClinVar:

NM_001079802.2(FKTN):c.1271G>T (p.Gly424Val)

Gene: FKTN (fukutin; plus strand). Cytogenetic location: 9q31.2.
Variant type: single nucleotide variant.
Coding change: c.1271G>T on transcript NM_001079802.2 (MANE Select); coding-DNA position 1271, G replaced by T.
Protein change: p.Gly424Val; replaces glycine 424 with valine.
Molecular consequence: missense variant. On other transcripts: 3 prime UTR variant (1), non-coding transcript variant (2), splice donor variant (1).
Genome position (GRCh38, 1-based): chr9:105,635,149, G>T. VCF-style: chr9-105635149-G-T. GRCh37 (hg19) VCF-style: chr9-108397430-G-T.
Other names: c.1271G>T, p.Gly424Val (NM_001351496.2, NM_006731.2); c.1202G>T, p.Gly401Val (NM_001351497.2); c.*63G>T (NM_001351498.2); c.875G>T, p.Gly292Val (NM_001351499.2, NM_001351500.2, NM_001351501.2 and 1 more transcripts); c.1270+1G>T (NM_001198963.2); short protein forms G292V, G401V, G424V.
Identifiers: ClinVar variation 3391287 (VCV003391287.1).
Genomic context (GRCh38, chr9:105,635,149, plus strand): 5'-TTGTAGACATGAAGGTCCATGTACCCTGTGAAACCCTCGAATACATTGAAGCCAACTATG[G>T]TAAGACCTGGAAGATTCCTGTAAAGACGTGGGACTGGAAGCGCTCTCCTCCCAATGTGCA-3'
Protein context (NP_001073270.1, residues 414-434): ETLEYIEANY[Gly424Val]KTWKIPVKTW

ClinVar aggregate classification (germline): Likely pathogenic (1 of 4 stars; one submission).

Conditions:
Autosomal recessive limb-girdle muscular dystrophy type 2M. Also called: MUSCULAR DYSTROPHY-DYSTROGLYCANOPATHY (LIMB-GIRDLE), TYPE C, 4; MUSCULAR DYSTROPHY, LIMB-GIRDLE, TYPE 2M. Identifiers: Orphanet 206554, MedGen C1969040, MONDO:0012699, OMIM 611588.

Submission:

Neuberg Centre For Genomic Medicine, NCGM
Classification: Likely pathogenic for Autosomal recessive limb-girdle muscular dystrophy type 2M. Last evaluated: 2023-07-22. Review status: criteria provided, single submitter. Criteria: ACMG Guidelines, 2015. Collection method: clinical testing. Allele origin: germline. Inheritance: Autosomal recessive inheritance. Affected: yes.
Comment: The missense variant c.1271G>T p.Gly424Val in FKTN gene has not been reported previously as a pathogenic variant nor as a benign variant, to our knowledge. The observed variant is absent in gnomAD exomes database. This variant has not been submitted to the ClinVar database. Multiple lines of computational evidence Polyphen - probably damaging, SIFT - damaging and MutationTaster - disease causing predict a damaging effect on protein structure and function for this variant. The amino acid change p.Gly424Val in FKTN is predicted as conserved by GERP++ and PhyloP across 100 vertebrates. The amino acid Gly at position 424 is changed to a Val changing protein sequence and it might alter its composition and physico-chemical properties. Another misssense variant c.1270G>A p.Gly424Ser in FKTN gene has been submitted to the ClinVar database as Pathogenic / Uncertain Significane. This missense change has been observed in homozygous state in individuals with clinical features of muscular dystrophy-dystroglycanopathy Larrañaga-Moreira et. al., 2021; Carnevale et. al., 2020. This variant has also found to be co-segregated with the disease in two unrelated families Larrañaga-Moreira et. al., 2021. However, functional studies will be required to confirm the pathogenicity of the variant. For these reasons, this variant has been classified as Likely Pathogenic.